The following is an entry in ClinVar:

NC_000011.10:g.119168034G>A

Gene: NLRX1 (NLR family member X1; plus strand). Cytogenetic location: 11q23.3.
Variant type: single nucleotide variant.
Genome position: GRCh38 VCF-style: chr11-119168034-G-A. GRCh37 (hg19) VCF-style: chr11-119038743-G-A.
Identifiers: ClinVar variation 102944 (VCV000102944.2), dbSNP rs199476026, ClinGen allele CA229907.

ClinVar aggregate classification (germline): not provided (0 of 4 stars; one submission).

Allele frequency attached by ClinVar (database versions not stated): TOPMed below 0.00001; gnomAD 0.00001.

Submission:

Human Evolutionary Genetics, Institut Pasteur
No classification provided. Review status: no classification provided. Collection method: not provided. Allele origin: germline.
ClinVar note: Converted during submission from untested to not provided.